The following is an entry in ClinVar:

ClinVar aggregate classification (germline): Uncertain significance (1 of 4 stars; one submission).

Allele frequency attached by ClinVar (database versions not stated): ExAC 0.00001; gnomAD exomes 0.00002 and 0.00003.
gnomAD v4.1: 48 of 1,612,690 alleles (0.003%); highest among the groups gnomAD compares: Middle Eastern, 0.016%; no homozygotes.

Submission:

Labcorp Genetics (formerly Invitae), Labcorp
Classification: Uncertain significance. Last evaluated: 2022-08-22. Review status: criteria provided, single submitter. Criteria: Invitae Variant Classification Sherloc (09022015). Collection method: clinical testing. Allele origin: germline.
Comment: This sequence change replaces serine, which is neutral and polar, with phenylalanine, which is neutral and non-polar, at codon 1302 of the TUBGCP6 protein (p.Ser1302Phe). This variant is present in population databases (rs745912533, gnomAD 0.003%). This variant has not been reported in the literature in individuals affected with TUBGCP6-related conditions. ClinVar contains an entry for this variant (Variation ID: 956256). Algorithms developed to predict the effect of missense changes on protein structure and function output the following: SIFT: "Deleterious"; PolyPhen-2: "Benign"; Align-GVGD: "Class C0". The phenylalanine amino acid residue is found in multiple mammalian species, which suggests that this missense change does not adversely affect protein function. In summary, the available evidence is currently insufficient to determine the role of this variant in disease. Therefore, it has been classified as a Variant of Uncertain Significance.

NM_020461.4(TUBGCP6):c.3905C>T (p.Ser1302Phe)

Gene: TUBGCP6 (tubulin gamma complex component 6; minus strand). Cytogenetic location: 22q13.33.
Variant type: single nucleotide variant.
Coding change: c.3905C>T on transcript NM_020461.4 (MANE Select); coding-DNA position 3905, C replaced by T.
Protein change: p.Ser1302Phe; replaces serine 1302 with phenylalanine.
Molecular consequence: missense variant.
Genome position (GRCh38, 1-based): chr22:50,220,454, G>A on the plus strand (C>T on the coding strand, the complement: TUBGCP6 is on the minus strand). VCF-style: chr22-50220454-G-A. GRCh37 (hg19) VCF-style: chr22-50658883-G-A.
Other names: short protein forms S1302F.
Identifiers: ClinVar variation 956256 (VCV000956256.5), dbSNP rs745912533, ClinGen allele CA10307785.